The following is an entry in ClinVar:

NM_000038.6(APC):c.2154T>A (p.Ile718=)

Gene: APC (APC regulator of Wnt signaling pathway; plus strand). Cytogenetic location: 5q22.2.
Variant type: single nucleotide variant.
Coding change: c.2154T>A on transcript NM_000038.6 (MANE Select); coding-DNA position 2154, T replaced by A.
Protein change: p.Ile718=; no amino-acid change (isoleucine 718 retained).
Molecular consequence: synonymous variant.
Genome position (GRCh38, 1-based): chr5:112,837,748, T>A. VCF-style: chr5-112837748-T-A. GRCh37 (hg19) VCF-style: chr5-112173445-T-A.
Other names: c.2154T>A, p.Ile718= (NM_001127510.3, NM_001354895.2); c.2100T>A, p.Ile700= (NM_001127511.3); c.2208T>A, p.Ile736= (NM_001354896.2); c.2184T>A, p.Ile728= (NM_001354897.2); c.2079T>A, p.Ile693= (NM_001354898.2); c.2070T>A, p.Ile690= (NM_001354899.2); c.2031T>A, p.Ile677= (NM_001354900.2); c.1977T>A, p.Ile659= (NM_001354901.2); and 6 more.
Identifiers: ClinVar variation 1087658 (VCV001087658.12), dbSNP rs372725652, ClinGen allele CA030923.
Genomic context (GRCh38, chr5:112,837,748, plus strand): 5'-ATGGGACATGGGGGCAGTTAGCATGCTCAAGAACCTCATTCATTCAAAGCACAAAATGAT[T>A]GCTATGGGAAGTGCTGCAGCTTTAAGGAATCTCATGGCAAATAGGCCTGCGAAGTACAAG-3'
Protein context (NP_000029.2, residues 708-728): KNLIHSKHKM[Ile718=]AMGSAAALRN

ClinVar aggregate classification (germline): Benign/Likely benign. Review status: criteria provided, multiple submitters, no conflicts (2 of 4 stars). 3 submissions from 3 submitters: Benign (1); Likely benign (2). Last evaluated 2025-11-05.

Conditions:
Hereditary cancer-predisposing syndrome. Also called: Hereditary Cancer Syndrome; Neoplastic Syndromes, Hereditary; Hereditary neoplastic syndrome; Tumor predisposition. Identifiers: Orphanet 140162, MedGen C0027672, MeSH D009386, MONDO:0015356.
Familial adenomatous polyposis 1 (FAP1). Also called: POLYPOSIS, ADENOMATOUS INTESTINAL; FAMILIAL ADENOMATOUS POLYPOSIS 1, ATTENUATED. Identifiers: MedGen C2713442, MONDO:0021056, OMIM 175100. Disease mechanism: loss of function.

Allele frequency attached by ClinVar (database versions not stated): gnomAD exomes below 0.00001; ExAC 0.00001; ESP Exome Variant Server 0.00008.
gnomAD v4.1: 1 of 1,614,142 alleles (0.000062%); highest among the groups gnomAD compares: Non-Finnish European, 0.000085%; no homozygotes.

Submissions (3):

Labcorp Genetics (formerly Invitae), Labcorp
Classification: Likely benign for Familial adenomatous polyposis 1. Last evaluated: 2025-11-05. Review status: criteria provided, single submitter. Criteria: Invitae Variant Classification Sherloc (09022015). Collection method: clinical testing. Allele origin: germline.

Ambry Genetics
Classification: Likely benign for Hereditary cancer-predisposing syndrome. Last evaluated: 2025-01-09. Review status: criteria provided, single submitter. Criteria: Ambry Variant Classification Scheme 2023. Collection method: clinical testing. Allele origin: germline.

Myriad Genetics, Inc.
Classification: Benign for Familial adenomatous polyposis 1. Last evaluated: 2024-03-08. Review status: criteria provided, single submitter. Criteria: Myriad Autosomal Dominant, Autosomal Recessive and X-Linked Classification Criteria (2023). Collection method: clinical testing. Allele origin: unknown.
Comment: This variant is considered benign. This variant is a silent/synonymous amino acid change and it is not expected to impact splicing.